The following is an entry in ClinVar:

NC_000017.10:g.(?_12896135)_(12921264_?)dup

Gene: ELAC2 (elaC ribonuclease Z 2; minus strand). Cytogenetic location: 17p12.
Variant type: Duplication.
Identifiers: ClinVar variation 1442353 (VCV001442353.4).

ClinVar aggregate classification (germline): Uncertain significance (1 of 4 stars; one submission).

Conditions:
Combined oxidative phosphorylation defect type 17. Also called: Combined oxidative phosphorylation deficiency 17. Identifiers: Orphanet 369913, MedGen C3809526, MONDO:0014190, OMIM 615440.

Submission:

Labcorp Genetics (formerly Invitae), Labcorp
Classification: Uncertain significance for Combined oxidative phosphorylation defect type 17. Last evaluated: 2022-05-05. Review status: criteria provided, single submitter. Criteria: Invitae Variant Classification Sherloc (09022015). Collection method: clinical testing. Allele origin: germline.
Comment: A copy number gain of the genomic region encompassing the full coding sequence of the ELAC2 gene has been identified. The boundaries of this event are unknown as they extend beyond the assayed region for this gene and therefore may encompass additional genes. As the precise location of this event is unknown, it may be in tandem or it may be located elsewhere in the genome. This variant has not been reported in the literature in individuals affected with ELAC2-related conditions. In summary, the available evidence is currently insufficient to determine the role of this variant in disease. Therefore, it has been classified as a Variant of Uncertain Significance.